The following is an entry in ClinVar:

NM_000187.4(HGD):c.614G>T (p.Gly205Val)

Gene: HGD (homogentisate 1,2-dioxygenase; minus strand). Cytogenetic location: 3q13.33.
Variant type: single nucleotide variant.
Coding change: c.614G>T on transcript NM_000187.4 (MANE Select); coding-DNA position 614, G replaced by T.
Protein change: p.Gly205Val; replaces glycine 205 with valine.
Molecular consequence: missense variant.
Genome position (GRCh38, 1-based): chr3:120,646,302, C>A on the plus strand (G>T on the coding strand, the complement: HGD is on the minus strand). VCF-style: chr3-120646302-C-A. GRCh37 (hg19) VCF-style: chr3-120365149-C-A.
Other names: short protein forms G205V.
Identifiers: ClinVar variation 2627707 (VCV002627707.1), dbSNP rs754802510, ClinGen allele CA354076527.
Genomic context (GRCh38, chr3:120,646,302, plus strand): 5'-TTAGAGGCTTGTAATGAAGATTTACCAATTGGTCCAAGGTCAGGTAACTCAAAGTGGACA[C>A]CATAGACCTCCAAGATGTAGCCCCTGGTCTCCTCAAAGACATCTATGCTGAACCGCATTC-3'
Protein context (NP_000178.2, residues 195-215): ETRGYILEVY[Gly205Val]VHFELPDLGP

ClinVar aggregate classification (germline): Pathogenic (0 of 4 stars; one submission).

Conditions:
Alkaptonuria (AKU). Also called: Alkaptonuric ochronosis; Homogentisic acidura; Alcaptonuria; HOMOGENTISIC ACID OXIDASE DEFICIENCY. Identifiers: Orphanet 56, MedGen C0002066, MONDO:0008753, OMIM 203500.

gnomAD v4.1: 2 of 1,613,254 alleles (0.00012%); highest among the groups gnomAD compares: Non-Finnish European, 0.00017%; no homozygotes.

Submission:

Department Of Human Genetics, Institute Of Clinical And Translational Research, Biomedical Research Center, Slovak Academy Of Sciences
Classification: Pathogenic for Alkaptonuria. Review status: no assertion criteria provided. Collection method: research. Allele origin: germline. Inheritance: Autosomal recessive inheritance. Affected: yes. Observed: 1 variant allele.
Comment: The variant was originally described in AKU patient in PMID:30737480. It has been submitted to the HGD gene mutation database (DB-ID: AKU_00186).

Literature cited by the submitters: PubMed 30737480.